The following is an entry in ClinVar:

NM_003640.5(ELP1):c.1623del (p.Glu541fs)

Gene: ELP1 (elongator acetyltransferase complex subunit 1; minus strand). Cytogenetic location: 9q31.3.
Variant type: Deletion.
Coding change: c.1623del on transcript NM_003640.5 (MANE Select); coding-DNA position 1623, one base deleted (G; older notation c.1623delG).
Protein change: p.Glu541fs; shifts the reading frame from glutamic acid 541.
Molecular consequence: frameshift variant.
Genome position (GRCh38, 1-based): chr9:108,906,323, C deleted on the plus strand (G on the coding strand, the reverse complement: ELP1 is on the minus strand). VCF-style (leftmost placement, unchanged base first): chr9-108906322-GC-G. GRCh37 (hg19) VCF-style: chr9-111668602-GC-G.
Other names: c.1281del, p.Glu427fs (NM_001318360.2); c.576del, p.Glu192fs (NM_001330749.2); short protein forms E192fs, E427fs, E541fs.
Identifiers: ClinVar variation 3649957 (VCV003649957.2).

ClinVar aggregate classification (germline): Pathogenic (1 of 4 stars; one submission).

Submission:

Labcorp Genetics (formerly Invitae), Labcorp
Classification: Pathogenic. Last evaluated: 2024-04-15. Review status: criteria provided, single submitter. Criteria: Invitae Variant Classification Sherloc (09022015). Collection method: clinical testing. Allele origin: germline.
Comment: This sequence change creates a premature translational stop signal (p.Glu541Aspfs*17) in the ELP1 gene. It is expected to result in an absent or disrupted protein product. Loss-of-function variants in ELP1 are known to be pathogenic (PMID: 18303054, 24173031). This variant is not present in population databases (gnomAD no frequency). This variant has not been reported in the literature in individuals affected with ELP1-related conditions. For these reasons, this variant has been classified as Pathogenic.

Literature cited by the submitters: PubMed 18303054; PubMed 24173031.